The following is an entry in ClinVar:

ClinVar aggregate classification (germline): Uncertain significance (1 of 4 stars; one submission).

Conditions:
Cardiovascular phenotype. Identifiers: MedGen CN230736.

Allele frequency attached by ClinVar (database versions not stated): TOPMed below 0.00001; gnomAD 0.00001.
gnomAD v4.1: 4 of 1,550,274 alleles (0.00026%); highest among the groups gnomAD compares: Non-Finnish European, 0.00035%; no homozygotes.

Submission:

Ambry Genetics
Classification: Uncertain significance for Cardiovascular phenotype. Last evaluated: 2022-12-17. Review status: criteria provided, single submitter. Criteria: Ambry Variant Classification Scheme 2023. Collection method: clinical testing. Allele origin: germline.
Comment: The p.P2178A variant (also known as c.6532C>G), located in coding exon 2 of the ZNF469 gene, results from a C to G substitution at nucleotide position 6532. The proline at codon 2178 is replaced by alanine, an amino acid with highly similar properties. This amino acid position is conserved. In addition, this alteration is predicted to be tolerated by in silico analysis. Since supporting evidence is limited at this time, the clinical significance of this alteration remains unclear.

NM_001367624.2(ZNF469):c.6616C>G (p.Pro2206Ala)

Gene: ZNF469 (zinc finger protein 469; plus strand). Cytogenetic location: 16q24.2.
Variant type: single nucleotide variant.
Coding change: c.6616C>G on transcript NM_001367624.2 (MANE Select); coding-DNA position 6616, C replaced by G.
Protein change: p.Pro2206Ala; replaces proline 2206 with alanine.
Molecular consequence: missense variant.
Genome position (GRCh38, 1-based): chr16:88,434,086, C>G. VCF-style: chr16-88434086-C-G. GRCh37 (hg19) VCF-style: chr16-88500494-C-G.
Other names: NM_001127464.1:c.6532C>G; short protein forms P2206A.
Identifiers: ClinVar variation 2449463 (VCV002449463.2), dbSNP rs1327151619, ClinGen allele CA397106311.